The following is an entry in ClinVar:

NM_001079872.2(CUL4B):c.1308A>G (p.Thr436=)

Gene: CUL4B (cullin 4B; minus strand). Cytogenetic location: Xq24.
Variant type: single nucleotide variant.
Coding change: c.1308A>G on transcript NM_001079872.2 (MANE Select); coding-DNA position 1308, A replaced by G.
Protein change: p.Thr436=; no amino-acid change (threonine 436 retained).
Molecular consequence: synonymous variant.
Genome position (GRCh38, 1-based): chrX:120,542,982, T>C on the plus strand (A>G on the coding strand, the complement: CUL4B is on the minus strand). VCF-style: chrX-120542982-T-C. GRCh37 (hg19) VCF-style: chrX-119676837-T-C.
Other names: c.1323A>G, p.Thr441= (NM_001330624.2); c.774A>G, p.Thr258= (NM_001369145.1); c.1362A>G, p.Thr454= (NM_003588.4); c.1362A>G (NM_003588.3).
Identifiers: ClinVar variation 2713413 (VCV002713413.4), dbSNP rs767678634, ClinGen allele CA10505555.

ClinVar aggregate classification (germline): Benign/Likely benign. Review status: criteria provided, multiple submitters, no conflicts (2 of 4 stars). 2 submissions from 2 submitters: Benign (1); Likely benign (1). Last evaluated 2025-09-22.

Conditions:
X-linked intellectual disability Cabezas type (MRXSC). Also called: Intellectual developmental disorder, X-linked syndromic, Cabezas type; CABEZAS SYNDROME; MENTAL RETARDATION, X-LINKED, SYNDROMIC 15. Identifiers: Orphanet 85289, Orphanet 85293, MedGen C1845861, MONDO:0010306, OMIM 300354.
CUL4B-related disorder. Also called: CUL4B-related condition.

Allele frequency attached by ClinVar (database versions not stated): TOPMed below 0.00001; ExAC 0.00001.
gnomAD v4.1: 4 of 1,198,920 alleles (0.00033%); highest among the groups gnomAD compares: Admixed American, 0.0087%; no homozygotes.

Submissions (2):

PreventionGenetics, part of Exact Sciences
Classification: Likely benign for CUL4B-related condition. Last evaluated: 2025-09-22. Review status: criteria provided, single submitter. Criteria: ACMG Guidelines, 2015. Collection method: clinical testing. Allele origin: germline.
Comment: This variant is classified as likely benign based on ACMG/AMP sequence variant interpretation guidelines (Richards et al. 2015 PMID: 25741868, with internal and published modifications).

Labcorp Genetics (formerly Invitae), Labcorp
Classification: Benign for X-linked intellectual disability Cabezas type. Last evaluated: 2023-06-06. Review status: criteria provided, single submitter. Criteria: Invitae Variant Classification Sherloc (09022015). Collection method: clinical testing. Allele origin: germline.